The following is an entry in ClinVar:

ClinVar aggregate classification (germline): Conflicting classifications of pathogenicity. Review status: criteria provided, conflicting classifications (1 of 4 stars). 4 submissions from 3 submitters: Uncertain significance (1); Benign (2); Likely benign (1). Last evaluated 2026-01-12.

Conditions:
Distal arthrogryposis type 2B1 (DA2B1). Also called: Arthrogryposis multiplex congenita distal type II with craniofacial abnormalities. Identifiers: Orphanet 1147, MedGen C5193014, MONDO:0020820, OMIM 601680.
Freeman-Sheldon syndrome (DA2A). Also called: WHISTLING FACE-WINDMILL VANE HAND SYNDROME; CRANIOCARPOTARSAL DYSPLASIA; CRANIOCARPOTARSAL DYSTROPHY; Arthrogryposis, distal, type 2A (Freeman-Sheldon). Identifiers: Orphanet 2053, MedGen C0265224, MONDO:0008675, OMIM 193700.

Allele frequency attached by ClinVar (database versions not stated): gnomAD exomes 0.00006 and 0.00018; ExAC 0.00020; 1000 Genomes Project 0.00040; ESP Exome Variant Server 0.00069; TOPMed 0.00072; 1000 Genomes Project 30x 0.00078.
gnomAD v4.1: 187 of 1,614,188 alleles (0.012%); highest among the groups gnomAD compares: African/African-American, 0.21%; no homozygotes.

Submissions (4):

Labcorp Genetics (formerly Invitae), Labcorp
Classification: Benign. Last evaluated: 2026-01-12. Review status: criteria provided, single submitter. Criteria: Invitae Variant Classification Sherloc (09022015). Collection method: clinical testing. Allele origin: germline.

GeneDx
Classification: Uncertain significance. Last evaluated: 2024-08-01. Review status: criteria provided, single submitter. Criteria: GeneDx Variant Classification Process June 2021. Collection method: clinical testing. Allele origin: germline. Affected: yes.
Comment: Has not been previously published as pathogenic or benign to our knowledge; In silico analysis is inconclusive as to whether the variant alters gene splicing. In the absence of RNA/functional studies, the actual effect of this sequence change is unknown.

Illumina Laboratory Services, Illumina
Classification: Benign for Freeman-Sheldon syndrome. Last evaluated: 2018-01-12. Review status: criteria provided, single submitter. Criteria: ICSL Variant Classification Criteria 13 December 2019. Collection method: clinical testing. Allele origin: germline.
Comment: This variant was observed in the ICSL laboratory as part of a predisposition screen in an ostensibly healthy population. It had not been previously curated by ICSL or reported in the Human Gene Mutation Database (HGMD: prior to June 1st, 2018), and was therefore a candidate for classification through an automated scoring system. Utilizing variant allele frequency, disease prevalence and penetrance estimates, and inheritance mode, an automated score was calculated to assess if this variant is too frequent to cause the disease. Based on the score and internal cut-off values, a variant classified as benign is not then subjected to further curation. The score for this variant resulted in a classification of benign for this disease.

Illumina Laboratory Services, Illumina
Classification: Likely benign for Distal arthrogryposis type 2B1. Last evaluated: 2018-01-12. Review status: criteria provided, single submitter. Criteria: ICSL Variant Classification Criteria 13 December 2019. Collection method: clinical testing. Allele origin: germline.
Comment: This variant was observed in the ICSL laboratory as part of a predisposition screen in an ostensibly healthy population. It had not been previously curated by ICSL or reported in the Human Gene Mutation Database (HGMD: prior to June 1st, 2018), and was therefore a candidate for classification through an automated scoring system. Utilizing variant allele frequency, disease prevalence and penetrance estimates, and inheritance mode, an automated score was calculated to assess if this variant is too frequent to cause the disease. Based on the score and internal cut-off values, a variant classified as likely benign is not then subjected to further curation. The score for this variant resulted in a classification of likely benign for this disease.

NM_002470.4(MYH3):c.5797-12C>G

Gene: MYH3 (myosin heavy chain 3; minus strand). Cytogenetic location: 17p13.1.
Variant type: single nucleotide variant.
Coding change: c.5797-12C>G on transcript NM_002470.4 (MANE Select); 12 bases into the intron before coding-DNA position 5797, C replaced by G.
Molecular consequence: intron variant.
Genome position (GRCh38, 1-based): chr17:10,628,691, G>C on the plus strand (C>G on the coding strand, the complement: MYH3 is on the minus strand). VCF-style: chr17-10628691-G-C. GRCh37 (hg19) VCF-style: chr17-10532008-G-C.
Identifiers: ClinVar variation 888073 (VCV000888073.12), dbSNP rs374799651, ClinGen allele CA8391775.